The following is an entry in ClinVar:

NM_000283.4(PDE6B):c.1811C>T (p.Thr604Ile)

Gene: PDE6B (phosphodiesterase 6B; plus strand). Cytogenetic location: 4p16.3.
Variant type: single nucleotide variant.
Coding change: c.1811C>T on transcript NM_000283.4 (MANE Select); coding-DNA position 1811, C replaced by T.
Protein change: p.Thr604Ile; replaces threonine 604 with isoleucine.
Molecular consequence: missense variant.
Genome position (GRCh38, 1-based): chr4:662,597, C>T. VCF-style: chr4-662597-C-T. GRCh37 (hg19) VCF-style: chr4-656386-C-T.
Other names: c.1811C>T, p.Thr604Ile (NM_001145291.2); c.974C>T, p.Thr325Ile (NM_001145292.2, NM_001350154.3, NM_001379246.1 and 1 more transcripts); c.656C>T, p.Thr219Ile (NM_001350155.3); short protein forms T604I, T325I, T219I.
Identifiers: ClinVar variation 225435 (VCV000225435.14), dbSNP rs752738349, ClinGen allele CA2794688.

ClinVar aggregate classification (germline): Uncertain significance. Review status: criteria provided, multiple submitters, no conflicts (2 of 4 stars). 7 submissions from 7 submitters: Uncertain significance (7). Last evaluated 2026-08-31.

Conditions:
PDE6B-related disorder. Also called: PDE6B-related disease; PDE6B-related condition; PDE6B-related disorders.
Retinal dystrophy. Also called: Inherited retinal dystrophy. Identifiers: Orphanet 71862, MedGen C0854723, MeSH D058499, MONDO:0019118, HP:0000556.
Retinitis pigmentosa 40 (RP40). Identifiers: Orphanet 791, MedGen C3151107, MONDO:0013429, OMIM 613801.

Allele frequency attached by ClinVar (database versions not stated): gnomAD 0.00001; TOPMed 0.00003; gnomAD exomes 0.00006 and 0.00014; ExAC 0.00017.
gnomAD v4.1: 92 of 1,610,230 alleles (0.0057%); highest among the groups gnomAD compares: East Asian, 0.19%; no homozygotes.

Submissions (7):

PreventionGenetics, part of Exact Sciences
Classification: Uncertain significance for PDE6B-related condition. Last evaluated: 2026-08-31. Review status: criteria provided, single submitter. Criteria: ACMG Guidelines, 2015. Collection method: clinical testing. Allele origin: germline.
Comment: The PDE6B c.1811C>T variant is predicted to result in the amino acid substitution p.Thr604Ile. This variant has been reported in the heterozygous state in individuals with retinal disease (Table S5, Huang et al. 2015. PubMed ID: 25356976; Table S2, Ma et al. 2021. PubMed ID: 33691693). This variant has also been identified in individuals with retinitis pigmentosa (see, for example, Table S3, Gao et al. 2019. PubMed ID: 31054281; Jin et al. 2008. PubMed ID: 18310263); however, additional information such as number of individuals, zygosity and/or additional variants was not provided. This variant is present in 0.17% of alleles in individuals of East Asian descent in gnomAD, which is likely too common to be a primary cause of disease. At this time, the clinical significance of this variant is uncertain due to the absence of conclusive functional and genetic evidence.

Labcorp Genetics (formerly Invitae), Labcorp
Classification: Uncertain significance. Last evaluated: 2024-10-21. Review status: criteria provided, single submitter. Criteria: Invitae Variant Classification Sherloc (09022015). Collection method: clinical testing. Allele origin: germline.
Comment: This sequence change replaces threonine, which is neutral and polar, with isoleucine, which is neutral and non-polar, at codon 604 of the PDE6B protein (p.Thr604Ile). This variant is present in population databases (rs752738349, gnomAD 0.2%). This missense change has been observed in individual(s) with various forms of retinal disease (PMID: 18310263, 25356976, 31054281). ClinVar contains an entry for this variant (Variation ID: 225435). Invitae Evidence Modeling of protein sequence and biophysical properties (such as structural, functional, and spatial information, amino acid conservation, physicochemical variation, residue mobility, and thermodynamic stability) indicates that this missense variant is expected to disrupt PDE6B protein function with a positive predictive value of 80%. In summary, the available evidence is currently insufficient to determine the role of this variant in disease. Therefore, it has been classified as a Variant of Uncertain Significance.

Blueprint Genetics
Classification: Uncertain significance. Last evaluated: 2023-11-15. Review status: criteria provided, single submitter. Criteria: ACMG Guidelines, 2015. Collection method: clinical testing. Allele origin: germline.

Dept Of Ophthalmology, Nagoya University
Classification: Uncertain significance for Retinal dystrophy. Last evaluated: 2023-10-01. Review status: criteria provided, single submitter. Criteria: Submitter's publication. Collection method: research. Allele origin: germline. Affected: yes.

3billion
Classification: Uncertain significance for Retinitis pigmentosa 40. Last evaluated: 2022-05-22. Review status: criteria provided, single submitter. Criteria: ACMG Guidelines, 2015. Collection method: clinical testing. Allele origin: germline. Affected: yes. Observed: 1 heterozygote.
Comment: The variant is observed at an extremely low frequency in the gnomAD v2.1.1 dataset (total allele frequency: 0.014%). In silico tool predictions suggest damaging effect of the variant on gene or gene product (REVEL: 0.93; 3Cnet: 3CNET). Same nucleotide change resulting in same amino acid change has been previously reported to be associated with PDE6B related disorder (PMID: 18310263). However, the evidence of pathogenicity is insufficient at this time. Therefore, this variant is classified as uncertain significanceaccording to the recommendation of ACMG/AMP guideline.

Department of Pathology and Laboratory Medicine, Sinai Health System
Classification: Uncertain significance for inherited retinal dystrophy. Last evaluated: 2021-07-30. Review status: criteria provided, single submitter. Criteria: ACMG Guidelines, 2015. Collection method: research. Allele origin: germline.

Soonchunhyang University Bucheon Hospital, Soonchunhyang University Medical Center
Classification: Uncertain significance for Retinitis pigmentosa 40. Last evaluated: 2016-03-18. Review status: criteria provided, single submitter. Criteria: ACMG Guidelines, 2015. Collection method: reference population. Allele origin: germline. Observed: 1 variant allele.

Literature cited by the submitters: PubMed 18310263 (cited by 3 submitters); PubMed 25356976 (cited by Labcorp Genetics (formerly Invitae), Labcorp); PubMed 31054281 (cited by Labcorp Genetics (formerly Invitae), Labcorp).